The following is an entry in ClinVar:

NM_001145026.2(PTPRQ):c.1341G>C (p.Leu447Phe)

Gene: PTPRQ (protein tyrosine phosphatase receptor type Q; plus strand). Cytogenetic location: 12q21.31.
Variant type: single nucleotide variant.
Coding change: c.1341G>C on transcript NM_001145026.2 (MANE Select); coding-DNA position 1341, G replaced by C.
Protein change: p.Leu447Phe; replaces leucine 447 with phenylalanine.
Molecular consequence: missense variant.
Genome position (GRCh38, 1-based): chr12:80,484,587, G>C. VCF-style: chr12-80484587-G-C. GRCh37 (hg19) VCF-style: chr12-80878366-G-C.
Other names: short protein forms L447F.
Identifiers: ClinVar variation 3250691 (VCV003250691.19), dbSNP rs773869003.
Genomic context (GRCh38, chr12:80,484,587, plus strand): 5'-TAACCAATACCGAGTGAAAGTGCTAGTTCCAGAGACAGGAATAATTTTGGAAAATACTTT[G>C]CTCACTGGAAATAATGAGGTATTGCATTTTTATTTCACTTATTGGTGAACCCTTTCTGCT-3'
Protein context (NP_001138498.1, residues 437-457): PETGIILENT[Leu447Phe]LTGNNEYIND

ClinVar aggregate classification (germline): Likely benign. Review status: criteria provided, multiple submitters, no conflicts (2 of 4 stars). 2 submissions from 2 submitters: Likely benign (2). Last evaluated 2024-09-09.

Allele frequency attached by ClinVar (database versions not stated): gnomAD exomes 0.00029; gnomAD 0.00035; TOPMed 0.00039; ExAC 0.00118.
gnomAD v4.1: 501 of 1,550,034 alleles (0.032%); highest among the groups gnomAD compares: Non-Finnish European, 0.0066%; 1 homozygote.

Submissions (2):

Blueprint Genetics
Classification: Likely benign. Last evaluated: 2024-09-09. Review status: criteria provided, single submitter. Criteria: ACMG Guidelines, 2015. Collection method: clinical testing. Allele origin: germline.

CeGaT Center for Human Genetics Tuebingen
Classification: Likely benign. Last evaluated: 2024-06-01. Review status: criteria provided, single submitter. Criteria: CeGaT Center For Human Genetics Tuebingen Variant Classification Criteria Version 2. Collection method: clinical testing. Allele origin: germline. Affected: yes. Observed: 1 variant allele.
Comment: PTPRQ: BP4, BS1